The following is an entry in ClinVar:

NM_000132.4(F8):c.5149T>C (p.Tyr1717His)

Gene: F8 (coagulation factor VIII; minus strand). Cytogenetic location: Xq28.
Variant type: single nucleotide variant.
Coding change: c.5149T>C on transcript NM_000132.4 (MANE Select); coding-DNA position 5149, T replaced by C.
Protein change: p.Tyr1717His; replaces tyrosine 1717 with histidine.
Molecular consequence: missense variant.
Genome position (GRCh38, 1-based): chrX:154,928,641, A>G on the plus strand (T>C on the coding strand, the complement: F8 is on the minus strand). VCF-style: chrX-154928641-A-G. GRCh37 (hg19) VCF-style: chrX-154156916-A-G.
Other names: short protein forms Y1717H.
Identifiers: ClinVar variation 2330431 (VCV002330431.4), dbSNP rs1557278265, ClinGen allele CA414913724.
Genomic context (GRCh38, chrX:154,928,641, plus strand): 5'-GAACATGTGGGGAGCTACTCATCCCATAATCCCAGAGCCTCTCCACTGCAGCAATAAAAT[A>G]GTGTCGTGTTTTCTTTTGAAAGCTGCGGGGGCTCTGATTTTCATCCTCATCATAAATGTC-3'
Protein context (NP_000123.1, residues 1707-1727): PRSFQKKTRH[Tyr1717His]FIAAVERLWD

ClinVar aggregate classification (germline): Conflicting classifications of pathogenicity. Review status: criteria provided, conflicting classifications (1 of 4 stars). 3 submissions from 3 submitters: Likely pathogenic (1); Uncertain significance (2). Last evaluated 2026-09-02.

Conditions:
Inborn genetic diseases. Identifiers: MedGen C0950123, MeSH D030342.
Hereditary factor VIII deficiency disease (HEMA). Also called: HEMOPHILIA, CLASSIC; AUTOSOMAL HEMOPHILIA A; Hemophilia A; Hemophilia A, congenital; HEM A; Factor 8 deficiency, congenital. Identifiers: Orphanet 98878, MedGen C0019069, MONDO:0010602, OMIM 306700.

Allele frequency attached by ClinVar (database versions not stated): gnomAD exomes 0.00001.
gnomAD v4.1: 3 of 1,210,906 alleles (0.00025%); highest among the groups gnomAD compares: South Asian, 0.0018%; no homozygotes.

Submissions (3):

Myriad Genetics, Inc.
Classification: Uncertain significance for Hereditary factor VIII deficiency disease. Last evaluated: 2026-09-02. Review status: criteria provided, single submitter. Criteria: Myriad Autosomal Dominant, Autosomal Recessive and X-Linked Classification Criteria (2023). Collection method: clinical testing. Allele origin: unknown.
Comment: NM_000132.3(F8):c.5149T>C(Y1717H) is a missense variant classified as a variant of uncertain significance in the context of hemophilia A. Y1717H has not been observed in cases with relevant disease. Relevant functional assessments of this variant are not available in the literature. Y1717H has been observed in referenced population frequency databases. In summary, there is insufficient evidence to classify NM_000132.3(F8):c.5149T>C(Y1717H) as pathogenic or benign. Please note: this variant was assessed in the context of healthy population screening.

MVZ Martinsried, Medicover Genetics
Classification: Likely pathogenic for Hereditary factor VIII deficiency disease. Last evaluated: 2024-04-12. Review status: criteria provided, single submitter. Criteria: ACGS Guidelines, 2020. Collection method: clinical testing. Allele origin: unknown. Affected: yes.

Ambry Genetics
Classification: Uncertain significance for Inborn genetic diseases. Last evaluated: 2022-12-01. Review status: criteria provided, single submitter. Criteria: Ambry Variant Classification Scheme 2023. Collection method: clinical testing. Allele origin: germline.